The following is an entry in ClinVar:

ClinVar aggregate classification (germline): Uncertain significance. Review status: criteria provided, multiple submitters, no conflicts (2 of 4 stars). 2 submissions from 2 submitters: Uncertain significance (2). Last evaluated 2025-09-21.

Allele frequency attached by ClinVar (database versions not stated): gnomAD 0.00001; ExAC 0.00004; TOPMed below 0.00001.
gnomAD v4.1: 23 of 1,574,252 alleles (0.0015%); highest among the groups gnomAD compares: Middle Eastern, 0.017%; no homozygotes.

Submissions (2):

Dasa
Classification: Uncertain significance. Last evaluated: 2025-09-21. Review status: criteria provided, single submitter. Criteria: DASA Assertion Criteria. Collection method: clinical testing. Allele origin: germline.
Comment: NM_001297.5(CNGB1):c.1186C>T (p.Arg396Trp) is a missense variant that results in the substitution of arginine with tryptophan. This variant is rare in population databases. Computational prediction algorithms are consistent with a benign effect. The currently available literature and clinical evidence are not sufficient to establish a definitive association between this variant and the reported condition. Therefore, this variant is classified as a variant of uncertain significance.

Labcorp Genetics (formerly Invitae), Labcorp
Classification: Uncertain significance. Last evaluated: 2022-05-10. Review status: criteria provided, single submitter. Criteria: Invitae Variant Classification Sherloc (09022015). Collection method: clinical testing. Allele origin: germline.
Comment: This sequence change replaces arginine, which is basic and polar, with tryptophan, which is neutral and slightly polar, at codon 396 of the CNGB1 protein (p.Arg396Trp). The frequency data for this variant in the population databases is considered unreliable, as metrics indicate poor data quality at this position in the gnomAD database. This variant has not been reported in the literature in individuals affected with CNGB1-related conditions. Advanced modeling of protein sequence and biophysical properties (such as structural, functional, and spatial information, amino acid conservation, physicochemical variation, residue mobility, and thermodynamic stability) performed at Invitae indicates that this missense variant is not expected to disrupt CNGB1 protein function. In summary, the available evidence is currently insufficient to determine the role of this variant in disease. Therefore, it has been classified as a Variant of Uncertain Significance.

NM_001297.5(CNGB1):c.1186C>T (p.Arg396Trp)

Gene: CNGB1 (cyclic nucleotide gated channel subunit beta 1; minus strand). Cytogenetic location: 16q21.
Variant type: single nucleotide variant.
Coding change: c.1186C>T on transcript NM_001297.5 (MANE Select); coding-DNA position 1186, C replaced by T.
Protein change: p.Arg396Trp; replaces arginine 396 with tryptophan.
Molecular consequence: missense variant.
Genome position (GRCh38, 1-based): chr16:57,940,257, G>A on the plus strand (C>T on the coding strand, the complement: CNGB1 is on the minus strand). VCF-style: chr16-57940257-G-A. GRCh37 (hg19) VCF-style: chr16-57974161-G-A.
Other names: c.1168C>T, p.Arg390Trp (NM_001286130.2); short protein forms R390W, R396W.
Identifiers: ClinVar variation 1463796 (VCV001463796.5), dbSNP rs761209484, ClinGen allele CA8083515.